The following is an entry in ClinVar:

NM_014714.4(IFT140):c.177G>C (p.Glu59Asp)

Genes: IFT140 (intraflagellar transport 140; minus strand), LOC105371046 (uncharacterized LOC105371046; plus strand). Cytogenetic location: 16p13.3.
Variant type: single nucleotide variant.
Coding change: c.177G>C on transcript NM_014714.4 (MANE Select); coding-DNA position 177, G replaced by C.
Protein change: p.Glu59Asp; replaces glutamic acid 59 with aspartic acid.
Molecular consequence: missense variant.
Genome position (GRCh38, 1-based): chr16:1,602,562, C>G on the plus strand (G>C on the coding strand, the complement: IFT140 is on the minus strand). VCF-style: chr16-1602562-C-G. GRCh37 (hg19) VCF-style: chr16-1652563-C-G.
Other names: short protein forms E59D.
Identifiers: ClinVar variation 1487031 (VCV001487031.9), dbSNP rs1431384802, ClinGen allele CA394223320.

ClinVar aggregate classification (germline): Uncertain significance. Review status: criteria provided, multiple submitters, no conflicts (2 of 4 stars). 2 submissions from 2 submitters: Uncertain significance (2). Last evaluated 2024-02-20.

Conditions:
Retinitis pigmentosa 80 (RP80). Identifiers: MedGen C4540439, MONDO:0054708, OMIM 617781.
Saldino-Mainzer syndrome (SRTD9). Also called: Renal dysplasia, retinal pigmentary dystrophy, cerebellar ataxia and skeletal dysplasia; CONORENAL SYNDROME; SHORT-RIB THORACIC DYSPLASIA 9 WITHOUT POLYDACTYLY; short-rib thoracic dysplasia 9 with or without polydactyly. Identifiers: Orphanet 140969, MedGen C1849437, MONDO:0009964, OMIM 266920.

Allele frequency attached by ClinVar (database versions not stated): gnomAD exomes below 0.00001.
gnomAD v4.1: 5 of 1,613,516 alleles (0.00031%); highest among the groups gnomAD compares: Non-Finnish European, 0.00042%; no homozygotes.

Submissions (2):

Fulgent Genetics
Classification: Uncertain significance for Saldino-Mainzer syndrome; Retinitis pigmentosa 80. Last evaluated: 2024-02-20. Review status: criteria provided, single submitter. Criteria: ACMG Guidelines, 2015. Collection method: clinical testing. Allele origin: germline.

Labcorp Genetics (formerly Invitae), Labcorp
Classification: Uncertain significance for Saldino-Mainzer syndrome. Last evaluated: 2021-04-28. Review status: criteria provided, single submitter. Criteria: Invitae Variant Classification Sherloc (09022015). Collection method: clinical testing. Allele origin: germline.
Comment: In summary, the available evidence is currently insufficient to determine the role of this variant in disease. Therefore, it has been classified as a Variant of Uncertain Significance. Algorithms developed to predict the effect of missense changes on protein structure and function (SIFT, PolyPhen-2, Align-GVGD) all suggest that this variant is likely to be tolerated, but these predictions have not been confirmed by published functional studies and their clinical significance is uncertain. This variant has not been reported in the literature in individuals with IFT140-related conditions. This variant is not present in population databases (ExAC no frequency). This sequence change replaces glutamic acid with aspartic acid at codon 59 of the IFT140 protein (p.Glu59Asp). The glutamic acid residue is moderately conserved and there is a small physicochemical difference between glutamic acid and aspartic acid.